The following is an entry in ClinVar:

ClinVar aggregate classification (germline): Uncertain significance. Review status: criteria provided, multiple submitters, no conflicts (2 of 4 stars). 3 submissions from 3 submitters: Uncertain significance (3). Last evaluated 2024-10-15.

Conditions:
Hereditary spastic paraplegia 47. Also called: Spastic paraplegia 47, autosomal recessive; adaptor protein 4 (AP-4) deficiency syndrome; CEREBRAL PALSY, SPASTIC QUADRIPLEGIC, 5. Identifiers: Orphanet 280763, MedGen C3279738, MONDO:0013551, OMIM 614066.

Allele frequency attached by ClinVar (database versions not stated): TOPMed 0.00002; gnomAD 0.00003 and 0.00009; gnomAD exomes 0.00007 and 0.00012; ExAC 0.00011; 1000 Genomes Project 30x 0.00047; 1000 Genomes Project 0.00060.

Submissions (3):

Labcorp Genetics (formerly Invitae), Labcorp
Classification: Uncertain significance for Hereditary spastic paraplegia 47. Last evaluated: 2024-10-15. Review status: criteria provided, single submitter. Criteria: Invitae Variant Classification Sherloc (09022015). Collection method: clinical testing. Allele origin: germline.
Comment: This sequence change replaces arginine, which is basic and polar, with tryptophan, which is neutral and slightly polar, at codon 130 of the AP4B1 protein (p.Arg130Trp). This variant is present in population databases (rs550100552, gnomAD 0.08%). This variant has not been reported in the literature in individuals affected with AP4B1-related conditions. ClinVar contains an entry for this variant (Variation ID: 1028531). Invitae Evidence Modeling of protein sequence and biophysical properties (such as structural, functional, and spatial information, amino acid conservation, physicochemical variation, residue mobility, and thermodynamic stability) indicates that this missense variant is expected to disrupt AP4B1 protein function with a positive predictive value of 80%. In summary, the available evidence is currently insufficient to determine the role of this variant in disease. Therefore, it has been classified as a Variant of Uncertain Significance.

Genome-Nilou Lab
Classification: Uncertain significance for Hereditary spastic paraplegia 47. Last evaluated: 2023-04-11. Review status: criteria provided, single submitter. Criteria: ACMG Guidelines, 2015. Collection method: clinical testing. Allele origin: germline. Affected: no.

Baylor Genetics
Classification: Uncertain significance for Hereditary spastic paraplegia 47. Last evaluated: 2019-08-30. Review status: criteria provided, single submitter. Criteria: ACMG Guidelines, 2015. Collection method: clinical testing. Allele origin: unknown. Affected: yes.
Comment: This variant was determined to be of uncertain significance according to ACMG Guidelines, 2015 [PMID:25741868].

NM_001253852.3(AP4B1):c.388C>T (p.Arg130Trp)

Gene: AP4B1 (adaptor related protein complex 4 subunit beta 1; minus strand). Cytogenetic location: 1p13.2.
Variant type: single nucleotide variant.
Coding change: c.388C>T on transcript NM_001253852.3 (MANE Select); coding-DNA position 388, C replaced by T.
Protein change: p.Arg130Trp; replaces arginine 130 with tryptophan.
Molecular consequence: missense variant. On other transcripts: intron variant (1).
Genome position (GRCh38, 1-based): chr1:113,901,836, G>A on the plus strand (C>T on the coding strand, the complement: AP4B1 is on the minus strand). VCF-style: chr1-113901836-G-A. GRCh37 (hg19) VCF-style: chr1-114444458-G-A.
Other names: c.91C>T, p.Arg31Trp (NM_001253853.3); c.388C>T, p.Arg130Trp (NM_006594.5); c.114-1436C>T (NM_001308312.2); short protein forms R31W, R130W.
Identifiers: ClinVar variation 1028531 (VCV001028531.9), dbSNP rs550100552, ClinGen allele CA1016107.